The following is an entry in ClinVar:

ClinVar aggregate classification (germline): Uncertain significance (1 of 4 stars; one submission).

Conditions:
Dilated cardiomyopathy 1JJ (CMD1JJ). Identifiers: Orphanet 154, MedGen C3808935, MONDO:0014095, OMIM 615235.

gnomAD v4.1: 7 of 1,612,564 alleles (0.00043%); highest among the groups gnomAD compares: South Asian, 0.0044%; no homozygotes.

Submission:

Labcorp Genetics (formerly Invitae), Labcorp
Classification: Uncertain significance for Dilated cardiomyopathy 1JJ. Last evaluated: 2024-07-01. Review status: criteria provided, single submitter. Criteria: Invitae Variant Classification Sherloc (09022015). Collection method: clinical testing. Allele origin: germline.
Comment: This sequence change replaces alanine, which is neutral and non-polar, with serine, which is neutral and polar, at codon 326 of the LAMA4 protein (p.Ala326Ser). This variant is present in population databases (rs576711704, gnomAD 0.007%). This variant has not been reported in the literature in individuals affected with LAMA4-related conditions. ClinVar contains an entry for this variant (Variation ID: 2171399). An algorithm developed to predict the effect of missense changes on protein structure and function (PolyPhen-2) suggests that this variant is likely to be tolerated. In summary, the available evidence is currently insufficient to determine the role of this variant in disease. Therefore, it has been classified as a Variant of Uncertain Significance.

NM_001105206.3(LAMA4):c.997G>T (p.Ala333Ser)

Gene: LAMA4 (laminin subunit alpha 4; minus strand). Cytogenetic location: 6q21.
Variant type: single nucleotide variant.
Coding change: c.997G>T on transcript NM_001105206.3 (MANE Select); coding-DNA position 997, G replaced by T.
Protein change: p.Ala333Ser; replaces alanine 333 with serine.
Molecular consequence: missense variant.
Genome position (GRCh38, 1-based): chr6:112,185,317, C>A on the plus strand (G>T on the coding strand, the complement: LAMA4 is on the minus strand). VCF-style: chr6-112185317-C-A. GRCh37 (hg19) VCF-style: chr6-112506519-C-A.
Other names: c.976G>T, p.Ala326Ser (NM_001105207.3, NM_002290.5); short protein forms A326S, A333S.
Identifiers: ClinVar variation 2171399 (VCV002171399.4), dbSNP rs576711704, ClinGen allele CA3965927.
Genomic context (GRCh38, chr6:112,185,317, plus strand): 5'-CGTCAGACAGAAGGCTTTTCATCGTGTTCTCAGCATTGTTGATTTGTATCTTTCTTAGGG[C>A]GTATTGGTTTTCTCTTTCTGACAATTTTGTCTGCAGAAGAATGTGTTTTGAGAATAGTCA-3'
Protein context (NP_001098676.2, residues 323-343): TKLSERENQY[Ala333Ser]LRKIQINNAE